The following is an entry in ClinVar:

ClinVar aggregate classification (germline): Uncertain significance. Review status: criteria provided, multiple submitters, no conflicts (2 of 4 stars). 3 submissions from 3 submitters: Uncertain significance (2). 1 of the submissions does not count toward it. Last evaluated 2022-06-27.

Conditions:
Duchenne muscular dystrophy (DMD). Also called: Duchenne Muscular Dystrophy (DMD); MUSCULAR DYSTROPHY, PSEUDOHYPERTROPHIC PROGRESSIVE, DUCHENNE TYPE. Identifiers: Orphanet 98896, MedGen C0013264, MONDO:0010679, OMIM 310200.
Cardiomyopathy (CMYO). Also called: Cardiomyopathies. Identifiers: Orphanet 167848, MedGen C0878544, MONDO:0004994, HP:0001638. Inheritance: Various modes of inheritance.
Dystrophin deficiency.
Becker muscular dystrophy (BMD). Also called: MUSCULAR DYSTROPHY, PSEUDOHYPERTROPHIC PROGRESSIVE, BECKER TYPE; Becker Muscular Dystrophy (BMD). Identifiers: Orphanet 98895, MedGen C0917713, MONDO:0010311, OMIM 300376.

Allele frequency attached by ClinVar (database versions not stated): gnomAD exomes below 0.00001.
gnomAD v4.1: 1 of 1,207,014 alleles (0.000083%); highest among the groups gnomAD compares: South Asian, 0.0018%; no homozygotes.

Submissions (3):

Labcorp Genetics (formerly Invitae), Labcorp
Classification: Uncertain significance for Duchenne muscular dystrophy. Last evaluated: 2022-06-27. Review status: criteria provided, single submitter. Criteria: Invitae Variant Classification Sherloc (09022015). Collection method: clinical testing. Allele origin: germline.
Comment: This sequence change replaces alanine, which is neutral and non-polar, with threonine, which is neutral and polar, at codon 3421 of the DMD protein (p.Ala3421Thr). This variant is not present in population databases (gnomAD no frequency). This variant has not been reported in the literature in individuals affected with DMD-related conditions. ClinVar contains an entry for this variant (Variation ID: 944130). Algorithms developed to predict the effect of missense changes on protein structure and function are either unavailable or do not agree on the potential impact of this missense change (SIFT: "Tolerated"; PolyPhen-2: "Possibly Damaging"; Align-GVGD: "Class C0"). In summary, the available evidence is currently insufficient to determine the role of this variant in disease. Therefore, it has been classified as a Variant of Uncertain Significance.

Revvity Omics, Revvity
Classification: Uncertain significance. Last evaluated: 2019-05-13. Review status: criteria provided, single submitter. Criteria: ACMG Guidelines, 2015. Collection method: clinical testing. Allele origin: germline.

Natera, Inc.
Classification: Uncertain significance for Becker muscular dystrophy; Cardiomyopathy; Duchenne muscular dystrophy; Dystrophin deficiency. Last evaluated: 2018-10-18. Review status: no assertion criteria provided. Collection method: clinical testing. Allele origin: germline. Not counted in ClinVar's aggregate classification.

NM_004006.3(DMD):c.10261G>A (p.Ala3421Thr)

Gene: DMD (dystrophin; minus strand). Cytogenetic location: Xp21.2.
Variant type: single nucleotide variant.
Coding change: c.10261G>A on transcript NM_004006.3 (MANE Select); coding-DNA position 10261, G replaced by A.
Protein change: p.Ala3421Thr; replaces alanine 3421 with threonine.
Molecular consequence: missense variant. On other transcripts: intron variant (5).
Genome position (GRCh38, 1-based): chrX:31,177,933, C>T on the plus strand (G>A on the coding strand, the complement: DMD is on the minus strand). VCF-style: chrX-31177933-C-T. GRCh37 (hg19) VCF-style: chrX-31196050-C-T.
Other names: c.10237G>A, p.Ala3413Thr (NM_000109.4); c.10249G>A, p.Ala3417Thr (NM_004009.3); c.9892G>A, p.Ala3298Thr (NM_004010.3); c.6238G>A, p.Ala2080Thr (NM_004011.4); c.6229G>A, p.Ala2077Thr (NM_004012.4); c.2881G>A, p.Ala961Thr (NM_004013.3, NM_004021.3); c.2074G>A, p.Ala692Thr (NM_004014.3); c.1057G>A, p.Ala353Thr (NM_004015.3, NM_004016.3); and 2 more; short protein forms A2077T, A353T, A961T, A2080T, A3298T, A3413T, A3417T, A3421T.
Identifiers: ClinVar variation 944130 (VCV000944130.10), dbSNP rs2040705871, ClinGen allele CA412652587.
Genomic context (GRCh38, chrX:31,177,933, plus strand): 5'-GAACCAAGCGAGCGAATGTGTTGGTGGTAGCAGCACCCTTCAGCAAAAAAAGTACTCACG[C>T]AGAATCTACTGGCCAGAAGTTGATCAGAGTAACGGGACTGCAAAACAAAAAATGAGGTGG-3'
Protein context (NP_003997.2, residues 3411-3431): TLINFWPVDS[Ala3421Thr]PASSPQLSHD